The following is an entry in ClinVar:

ClinVar aggregate classification (germline): Pathogenic. Review status: criteria provided, single submitter (1 of 4 stars). 2 submissions from 2 submitters: Pathogenic (1). 1 of the submissions does not count toward it. Last evaluated 2023-06-16.

Conditions:
Charcot-Marie-Tooth disease type 2. Also called: Charcot-Marie-Tooth type 2. Identifiers: Orphanet 64746, MedGen C0270914, MONDO:0018993.

Submissions (2):

Labcorp Genetics (formerly Invitae), Labcorp
Classification: Pathogenic for Charcot-Marie-Tooth disease type 2. Last evaluated: 2023-06-16. Review status: criteria provided, single submitter. Criteria: Invitae Variant Classification Sherloc (09022015). Collection method: clinical testing. Allele origin: germline.
Comment: For these reasons, this variant has been classified as Pathogenic. ClinVar contains an entry for this variant (Variation ID: 66777). This premature translational stop signal has been observed in individual(s) with dilated cardiomyopathy (PMID: 18585512). This variant is not present in population databases (gnomAD no frequency). This sequence change creates a premature translational stop signal (p.Glu372Argfs*108) in the LMNA gene. It is expected to result in an absent or disrupted protein product. Loss-of-function variants in LMNA are known to be pathogenic (PMID: 18585512, 18926329).

Epithelial Biology;  Institute of Medical Biology, Singapore
No classification provided. Review status: no classification provided. Collection method: not provided. Allele origin: not provided. Not counted in ClinVar's aggregate classification.

Literature cited by the submitters: PubMed 18585512 (cited by Labcorp Genetics (formerly Invitae), Labcorp); PubMed 18926329 (cited by Labcorp Genetics (formerly Invitae), Labcorp).

NM_170707.4(LMNA):c.1114del (p.Glu372fs)

Gene: LMNA (lamin A/C; plus strand). Cytogenetic location: 1q22.
Variant type: Deletion.
Coding change: c.1114del on transcript NM_170707.4 (MANE Select); coding-DNA position 1114, one base deleted (G; older notation c.1114delG).
Protein change: p.Glu372fs; shifts the reading frame from glutamic acid 372.
Molecular consequence: frameshift variant.
Genome position (GRCh38, 1-based): chr1:156,136,078, G deleted; the last of 2 consecutive G bases (chr1:156,136,077-156,136,078); deleting either gives the same sequence. VCF-style (leftmost placement, unchanged base first): chr1-156136076-TG-T. GRCh37 (hg19) VCF-style: chr1-156105867-TG-T.
Other names: c.778del, p.Glu260fs (NM_001257374.3); c.871del, p.Glu291fs (NM_001282624.2); c.1114del, p.Glu372fs (NM_001282625.2, NM_001282626.2, NM_005572.4 and 1 more transcripts); short protein forms E260fs, E372fs, E291fs.
Identifiers: ClinVar variation 66777 (VCV000066777.9), dbSNP rs267607575, ClinGen allele CA016624.